The following is an entry in ClinVar:

NM_199420.4(POLQ):c.90C>A (p.Ser30Arg)

Genes: POLQ (DNA polymerase theta; minus strand), LOC112872292 (Sharpr-MPRA regulatory region 30; plus strand). Cytogenetic location: 3q13.33.
Variant type: single nucleotide variant.
Coding change: c.90C>A on transcript NM_199420.4 (MANE Select); coding-DNA position 90, C replaced by A.
Protein change: p.Ser30Arg; replaces serine 30 with arginine.
Molecular consequence: missense variant.
Genome position (GRCh38, 1-based): chr3:121,545,788, G>T on the plus strand (C>A on the coding strand, the complement: POLQ is on the minus strand). VCF-style: chr3-121545788-G-T. GRCh37 (hg19) VCF-style: chr3-121264635-G-T.
Other names: short protein forms S30R.
Identifiers: ClinVar variation 1765784 (VCV001765784.3), dbSNP rs979596844, ClinGen allele CA81838171.

ClinVar aggregate classification (germline): Uncertain significance (1 of 4 stars; one submission).

gnomAD v4.1: 1 of 1,611,012 alleles (0.000062%); highest among the groups gnomAD compares: African/African-American, 0.0013%; no homozygotes.

Submission:

Ambry Genetics
Classification: Uncertain significance. Last evaluated: 2024-05-09. Review status: criteria provided, single submitter. Criteria: Ambry Variant Classification Scheme 2023. Collection method: clinical testing. Allele origin: germline.
Comment: The p.S30R variant (also known as c.90C>A), located in coding exon 1 of the POLQ gene, results from a C to A substitution at nucleotide position 90. The serine at codon 30 is replaced by arginine, an amino acid with dissimilar properties. This amino acid position is conserved. In addition, this alteration is predicted to be tolerated by in silico analysis. Since supporting evidence is limited at this time, the clinical significance of this alteration remains unclear.